The following is an entry in ClinVar:

NM_025219.3(DNAJC5):c.321+19_321+20insTGTGCGGGCACCCGAGTCACTCCTGCCGTGCGGGCACCCGAGTCTCTCCTGC

Gene: DNAJC5 (DnaJ heat shock protein family (Hsp40) member C5; plus strand). Cytogenetic location: 20q13.33.
Variant type: Insertion.
Coding change: c.321+19_321+20insTGTGCGGGCACCCGAGTCACTCCTGCCGTGCGGGCACCCGAGTCTCTCCTGC on transcript NM_025219.3 (MANE Select); bases 19 to 20 of the intron after coding-DNA position 321, TGTGCGGGCACCCGAGTCACTCCTGCCGTGCGGGCACCCGAGTCTCTCCTGC inserted.
Molecular consequence: intron variant.
Genome position: GRCh38: chr20:63,929,544-63,929,545. GRCh37 (hg19): chr20:62,560,897-62,560,898.
Identifiers: ClinVar variation 3662332 (VCV003662332.2).

ClinVar aggregate classification (germline): Uncertain significance (1 of 4 stars; one submission).

Conditions:
Neuronal ceroid lipofuscinosis. Also called: Neuronal Ceroid Lipofuscinoses. Identifiers: Orphanet 216, Orphanet 79263, MedGen C0027877, MONDO:0016295. Disease mechanism: loss of function.

Submission:

Labcorp Genetics (formerly Invitae), Labcorp
Classification: Uncertain significance for Neuronal ceroid lipofuscinosis. Last evaluated: 2024-08-14. Review status: criteria provided, single submitter. Criteria: Invitae Variant Classification Sherloc (09022015). Collection method: clinical testing. Allele origin: germline.
Comment: This sequence change falls in intron 3 of the DNAJC5 gene. It does not directly change the encoded amino acid sequence of the DNAJC5 protein. This variant is not present in population databases (gnomAD no frequency). This variant has not been reported in the literature in individuals affected with DNAJC5-related conditions. Experimental studies and prediction algorithms are not available or were not evaluated, and the effect of this variant on mRNA splicing is currently unknown. In summary, the available evidence is currently insufficient to determine the role of this variant in disease. Therefore, it has been classified as a Variant of Uncertain Significance.